The following is an entry in ClinVar:

ClinVar aggregate classification (germline): Uncertain significance. Review status: criteria provided, single submitter (1 of 4 stars). 2 submissions from 2 submitters: Uncertain significance (1). 1 of the submissions does not count toward it. Last evaluated 2024-12-11.

Conditions:
Bifunctional peroxisomal enzyme deficiency (DBIF). Also called: PBFE DEFICIENCY; D-bifunctional protein deficiency; DBP DEFICIENCY. Identifiers: Orphanet 300, MedGen C0342870, MONDO:0009855, OMIM 261515. Disease mechanism: loss of function.

Allele frequency attached by ClinVar (database versions not stated): TOPMed below 0.00001; ExAC 0.00001; gnomAD 0.00001; gnomAD exomes 0.00001.
gnomAD v4.1: 16 of 1,612,404 alleles (0.00099%); highest among the groups gnomAD compares: Non-Finnish European, 0.0013%; no homozygotes.

Submissions (2):

GeneDx
Classification: Uncertain significance. Last evaluated: 2024-12-11. Review status: criteria provided, single submitter. Criteria: GeneDx Variant Classification Process June 2021. Collection method: clinical testing. Allele origin: germline. Affected: yes.
Comment: Not observed at significant frequency in large population cohorts (gnomAD); In silico analysis supports that this missense variant has a deleterious effect on protein structure/function; Has not been previously published as pathogenic or benign to our knowledge

Natera, Inc.
Classification: Uncertain significance for Bifunctional peroxisomal enzyme deficiency. Last evaluated: 2020-01-24. Review status: no assertion criteria provided. Collection method: clinical testing. Allele origin: germline. Not counted in ClinVar's aggregate classification.

NM_000414.4(HSD17B4):c.614T>C (p.Met205Thr)

Gene: HSD17B4 (hydroxysteroid 17-beta dehydrogenase 4; plus strand). Cytogenetic location: 5q23.1.
Variant type: single nucleotide variant.
Coding change: c.614T>C on transcript NM_000414.4 (MANE Select); coding-DNA position 614, T replaced by C.
Protein change: p.Met205Thr; replaces methionine 205 with threonine.
Molecular consequence: missense variant. On other transcripts: non-coding transcript variant (2).
Genome position (GRCh38, 1-based): chr5:119,479,013, T>C. VCF-style: chr5-119479013-T-C. GRCh37 (hg19) VCF-style: chr5-118814708-T-C.
Other names: c.689T>C, p.Met230Thr (NM_001199291.3); c.560T>C, p.Met187Thr (NM_001199292.2); c.542T>C, p.Met181Thr (NM_001292027.2); c.194T>C, p.Met65Thr (NM_001292028.2); c.605T>C, p.Met202Thr (NM_001374497.1); c.614T>C, p.Met205Thr (NM_001374498.1); c.287T>C, p.Met96Thr (NM_001374499.1); c.173T>C, p.Met58Thr (NM_001374500.1); and 1 more; short protein forms M181T, M187T, M202T, M205T, M230T, M58T, M65T, M68T.
Identifiers: ClinVar variation 1202909 (VCV001202909.5), dbSNP rs761601392, ClinGen allele CA3381892.
Genomic context (GRCh38, chr5:119,479,013, plus strand): 5'-GCAACATTCATTGTAACACCATTGCTCCTAATGCGGGATCACGGATGACTCAGACAGTTA[T>C]GCCTGAAGGTAAGTAAGCAAGCTTATATTTTTCAGTGCTGTTACTTACAAACCTATGTGG-3'
Protein context (NP_000405.1, residues 195-215): NAGSRMTQTV[Met205Thr]PEDLVEALKP